The following is an entry in ClinVar:

NM_153676.4(USH1C):c.2302C>A (p.Leu768Met)

Gene: USH1C (USH1 protein network component harmonin; minus strand). Cytogenetic location: 11p15.1.
Variant type: single nucleotide variant.
Coding change: c.2302C>A on transcript NM_153676.4 (MANE Select); coding-DNA position 2302, C replaced by A.
Protein change: p.Leu768Met; replaces leucine 768 with methionine.
Molecular consequence: missense variant. On other transcripts: non-coding transcript variant (1).
Genome position (GRCh38, 1-based): chr11:17,501,129, G>T on the plus strand (C>A on the coding strand, the complement: USH1C is on the minus strand). VCF-style: chr11-17501129-G-T. GRCh37 (hg19) VCF-style: chr11-17522676-G-T.
Other names: c.1345C>A, p.Leu449Met (NM_001297764.2); c.1402C>A, p.Leu468Met (NM_005709.4); short protein forms L468M, L768M, L449M.
Identifiers: ClinVar variation 229599 (VCV000229599.5), dbSNP rs876658110, ClinGen allele CA10576844.
Genomic context (GRCh38, chr11:17,501,129, plus strand): 5'-CCCGCTCATACACAGCAGAAACGACCACCTTCCCAATGGGGGAGTCCACACCGCCTTCCA[G>T]GGCCAGGTCTAAGGATCCCTCCTGGTTAGAGGAAAACAGGCCTTAGGGAGCCAAGCAGAC-3'
Protein context (NP_710142.1, residues 758-778): IKKEGSLDLA[Leu768Met]EGGVDSPIGK

ClinVar aggregate classification (germline): Uncertain significance (1 of 4 stars; one submission).

Submission:

Laboratory for Molecular Medicine, Mass General Brigham Personalized Medicine
Classification: Uncertain significance. Last evaluated: 2015-12-17. Review status: criteria provided, single submitter. Criteria: LMM Criteria. Collection method: clinical testing. Allele origin: germline. Observed: 1 variant allele.
Comment: The p.Leu768Met variant in USH1C has not been previously reported in individuals with hearing loss or Usher syndrome or in large population studies. Computation al prediction tools and conservation analyses suggest that the p.Leu768Met varia nt may not impact the protein, though this information is not predictive enough to rule out pathogenicity. In summary, the clinical significance of the p.Leu768 Met variant is uncertain.